The following is an entry in ClinVar:

ClinVar aggregate classification (germline): Pathogenic. Review status: criteria provided, multiple submitters, no conflicts (2 of 4 stars). 2 submissions from 2 submitters: Pathogenic (2). Last evaluated 2025-12-22.

Conditions:
Primary ciliary dyskinesia. Also called: Ciliary dyskinesia. Identifiers: Orphanet 244, MedGen C0008780, MONDO:0016575, HP:0012265.

gnomAD v4.1: 2 of 1,613,522 alleles (0.00012%); highest among the groups gnomAD compares: South Asian, 0.0022%; no homozygotes.

Submissions (2):

Labcorp Genetics (formerly Invitae), Labcorp
Classification: Pathogenic for Primary ciliary dyskinesia. Last evaluated: 2025-12-22. Review status: criteria provided, single submitter. Criteria: Invitae Variant Classification Sherloc (09022015). Collection method: clinical testing. Allele origin: germline.
Comment: This sequence change affects an acceptor splice site in intron 52 of the DNAH5 gene. It is expected to disrupt RNA splicing. Variants that disrupt the donor or acceptor splice site typically lead to a loss of protein function (PMID: 16199547), and loss-of-function variants in DNAH5 are known to be pathogenic (PMID: 11788826, 16627867). This variant is present in population databases (no rsID available, gnomAD 0.003%). Disruption of this splice site has been observed in individual(s) with primary ciliary dyskinesia (internal data). ClinVar contains an entry for this variant (Variation ID: 407209). Algorithms developed to predict the effect of sequence changes on RNA splicing suggest that this variant may disrupt the consensus splice site. For these reasons, this variant has been classified as Pathogenic.

Natera, Inc.
Classification: Pathogenic for Primary ciliary dyskinesia. Last evaluated: 2024-08-08. Review status: criteria provided, single submitter. Criteria: Natera Variant Classification Schema (03/2026). Collection method: clinical testing. Allele origin: germline.
Comment: The c.8821-1G>C variant in DNAH5 is a canonical splice acceptor site variant predicted to affect pre-mRNA splicing, which may result in an abnormal transcript and altered protein product. This variant is expected to result in nonsense mediated decay, truncation, or a dysfunctional protein product. This variant is rare in the general population with a frequency below the threshold expected for the associated phenotype(s). Another variant at this same site results in an alteration predicted to cause a similar molecular effect has been observed in individual(s) with the associated phenotype. Given the available evidence, this variant is classified as Pathogenic.

Literature cited by the submitters: PubMed 16199547 (cited by Labcorp Genetics (formerly Invitae), Labcorp); PubMed 11788826 (cited by Labcorp Genetics (formerly Invitae), Labcorp); PubMed 16627867 (cited by Labcorp Genetics (formerly Invitae), Labcorp).

NM_001369.3(DNAH5):c.8821-1G>C

Gene: DNAH5 (dynein axonemal heavy chain 5; minus strand). Cytogenetic location: 5p15.2.
Variant type: single nucleotide variant.
Coding change: c.8821-1G>C on transcript NM_001369.3 (MANE Select); the canonical splice acceptor site of the intron before coding-DNA position 8821, G replaced by C.
Molecular consequence: splice acceptor variant.
Genome position (GRCh38, 1-based): chr5:13,780,960, C>G on the plus strand (G>C on the coding strand, the complement: DNAH5 is on the minus strand). VCF-style: chr5-13780960-C-G. GRCh37 (hg19) VCF-style: chr5-13781069-C-G.
Identifiers: ClinVar variation 407209 (VCV000407209.17), dbSNP rs1060501454, ClinGen allele CA16612001.
Genomic context (GRCh38, chr5:13,780,960, plus strand): 5'-TGATCCGCCCACCCCGACCAGGAGGGCATTTCCCTGAGGAGTACGAATGACACGAGAGAT[C>G]TGTAATATGGAACAGAAAAAGTATGTATCTTTCAACATGTAAATGTTCTATTTTTCCTAT-3'